The following is an entry in ClinVar:

ClinVar aggregate classification (germline): Uncertain significance. Review status: criteria provided, multiple submitters, no conflicts (2 of 4 stars). 2 submissions from 2 submitters: Uncertain significance (2). Last evaluated 2025-04-13.

Conditions:
RASopathy. Also called: Noonan spectrum disorder; rasopathies. Identifiers: Orphanet 536391, MedGen C5555857, MONDO:0021060.
Melorheostosis (MEL). Also called: MELORHEOSTOSIS, ISOLATED. Identifiers: Orphanet 2485, MedGen C3149631, MONDO:0007970, OMIM 155950, HP:6000817.
Cardiofaciocutaneous syndrome 3 (CFC3). Also called: MAP2K1-Related Cardiofaciocutaneous Syndrome. Identifiers: Orphanet 1340, MedGen C3809006, MONDO:0014113, OMIM 615279.

Allele frequency attached by ClinVar (database versions not stated): gnomAD exomes 0.00001.
gnomAD v4.1: 14 of 1,587,010 alleles (0.00088%); highest among the groups gnomAD compares: Non-Finnish European, 0.0011%; no homozygotes.

Submissions (2):

Labcorp Genetics (formerly Invitae), Labcorp
Classification: Uncertain significance for RASopathy. Last evaluated: 2025-04-13. Review status: criteria provided, single submitter. Criteria: Invitae Variant Classification Sherloc (09022015). Collection method: clinical testing. Allele origin: germline.
Comment: This sequence change falls in intron 4 of the MAP2K1 gene. It does not directly change the encoded amino acid sequence of the MAP2K1 protein. It affects a nucleotide within the consensus splice site. This variant is not present in population databases (gnomAD no frequency). This variant has not been reported in the literature in individuals affected with MAP2K1-related conditions. ClinVar contains an entry for this variant (Variation ID: 2911450). Variants that disrupt the consensus splice site are a relatively common cause of aberrant splicing (PMID: 17576681, 9536098). Algorithms developed to predict the effect of sequence changes on RNA splicing suggest that this variant is not likely to affect RNA splicing. In summary, the available evidence is currently insufficient to determine the role of this variant in disease. Therefore, it has been classified as a Variant of Uncertain Significance.

Fulgent Genetics
Classification: Uncertain significance for Melorheostosis; Cardiofaciocutaneous syndrome 3. Last evaluated: 2024-04-30. Review status: criteria provided, single submitter. Criteria: ACMG Guidelines, 2015. Collection method: clinical testing. Allele origin: germline.

Literature cited by the submitters: PubMed 17576681 (cited by Labcorp Genetics (formerly Invitae), Labcorp); PubMed 9536098 (cited by Labcorp Genetics (formerly Invitae), Labcorp).

NM_002755.4(MAP2K1):c.516+3G>A

Gene: MAP2K1 (mitogen-activated protein kinase kinase 1; plus strand). Cytogenetic location: 15q22.31.
Variant type: single nucleotide variant.
Coding change: c.516+3G>A on transcript NM_002755.4 (MANE Select); 3 bases into the intron after coding-DNA position 516, G replaced by A.
Molecular consequence: intron variant.
Genome position (GRCh38, 1-based): chr15:66,443,360, G>A. VCF-style: chr15-66443360-G-A. GRCh37 (hg19) VCF-style: chr15-66735698-G-A.
Other names: c.373-1296G>A (NM_001411065.1).
Identifiers: ClinVar variation 2911450 (VCV002911450.4), dbSNP rs2140598348, ClinGen allele CA2629081796.